The following is an entry in ClinVar:

NM_003924.4(PHOX2B):c.845C>T (p.Ser282Phe)

Gene: PHOX2B (paired like homeobox 2B; minus strand). Cytogenetic location: 4p13.
Variant type: single nucleotide variant.
Coding change: c.845C>T on transcript NM_003924.4 (MANE Select); coding-DNA position 845, C replaced by T.
Protein change: p.Ser282Phe; replaces serine 282 with phenylalanine.
Molecular consequence: missense variant.
Genome position (GRCh38, 1-based): chr4:41,745,907, G>A on the plus strand (C>T on the coding strand, the complement: PHOX2B is on the minus strand). VCF-style: chr4-41745907-G-A. GRCh37 (hg19) VCF-style: chr4-41747924-G-A.
Other names: short protein forms S282F.
Identifiers: ClinVar variation 5026574 (VCV005026574.1).
Genomic context (GRCh38, chr4:41,745,907, plus strand): 5'-TTGGGTCTTTGGAGCGAAGATAGGACGCTGGCGAAGGGACCCCCAAGCGAATCCGGGATG[G>A]AGGTGATGGGGCCGGGGCCGGGAGCCCAGCCTTGTCCAGGGCCCCCAGCCGCAGCCAGGC-3'
Protein context (NP_003915.2, residues 272-292): GWAPGPGPIT[Ser282Phe]IPDSLGGPFA

ClinVar aggregate classification (germline): Uncertain significance (1 of 4 stars; one submission).

Conditions:
Hereditary cancer-predisposing syndrome. Also called: Neoplastic Syndromes, Hereditary; Tumor predisposition; Hereditary neoplastic syndrome; Hereditary Cancer Syndrome. Identifiers: Orphanet 140162, MedGen C0027672, MeSH D009386, MONDO:0015356.

Submission:

Ambry Genetics
Classification: Uncertain significance for Hereditary cancer-predisposing syndrome. Last evaluated: 2026-07-06. Review status: criteria provided, single submitter. Criteria: Ambry Variant Classification Scheme 2023. Collection method: clinical testing. Allele origin: germline.
Comment: The p.S282F variant (also known as c.845C>T), located in coding exon 3 of the PHOX2B gene, results from a C to T substitution at nucleotide position 845. The serine at codon 282 is replaced by phenylalanine, an amino acid with highly dissimilar properties. This amino acid position is conserved. In addition, the in silico prediction for this alteration is inconclusive. Based on the available evidence, the clinical significance of this variant remains unclear.